The following is an entry in ClinVar:

NM_206926.2(SELENON):c.301+848_301+849delinsGA

Gene: SELENON (selenoprotein N; plus strand). Cytogenetic location: 1p36.11.
Variant type: Indel.
Coding change: c.301+848_301+849delinsGA on transcript NM_206926.2 (MANE Select); bases 848 to 849 of the intron after coding-DNA position 301, TG replaced by GA.
Molecular consequence: intron variant.
Genome position (GRCh38, 1-based): chr1:25,802,008-25,802,009, TG replaced by GA. VCF-style: chr1-25802008-TG-GA. GRCh37 (hg19) VCF-style: chr1-26128499-TG-GA.
Other names: c.302-8_302-7delinsGA (NM_020451.3).
Identifiers: ClinVar variation 3364464 (VCV003364464.1).
Genomic context (GRCh38, chr1:25,802,008, plus strand): 5'-ACAGTGACGAATATGCAGTAGATTTCCAATAGACAGCAGCTATAACTTTTTTTTTTTTTT[TG>GA]AGACAGGGTCTTGTTCTGTCACCCAGACTGGAGTGCAGTGGTGCAGTCACAGCTCACTGC-3'

ClinVar aggregate classification (germline): Uncertain significance (1 of 4 stars; one submission).

Submission:

GeneDx
Classification: Uncertain significance. Last evaluated: 2023-11-14. Review status: criteria provided, single submitter. Criteria: GeneDx Variant Classification Process June 2021. Collection method: clinical testing. Allele origin: germline. Affected: yes.
Comment: Not observed at significant frequency in large population cohorts (gnomAD); In silico analysis supports that this variant does not alter splicing; Has not been previously published as pathogenic or benign to our knowledge